The following is an entry in ClinVar:

NM_205836.3(FBXO38):c.2152C>T (p.His718Tyr)

Gene: FBXO38 (F-box protein 38; plus strand). Cytogenetic location: 5q32.
Variant type: single nucleotide variant.
Coding change: c.2152C>T on transcript NM_205836.3 (MANE Select); coding-DNA position 2152, C replaced by T.
Protein change: p.His718Tyr; replaces histidine 718 with tyrosine.
Molecular consequence: missense variant. On other transcripts: intron variant (1).
Genome position (GRCh38, 1-based): chr5:148,427,446, C>T. VCF-style: chr5-148427446-C-T. GRCh37 (hg19) VCF-style: chr5-147807009-C-T.
Other names: c.2152C>T, p.His718Tyr (NM_030793.5); c.1918+1745C>T (NM_001271723.2); short protein forms H718Y.
Identifiers: ClinVar variation 2140840 (VCV002140840.4), dbSNP rs2531810400, ClinGen allele CA361657005.

ClinVar aggregate classification (germline): Uncertain significance (1 of 4 stars; one submission).

Conditions:
Distal hereditary motor neuropathy type 2. Identifiers: Orphanet 139525, MedGen C3711384, MeSH C580044, MONDO:0015352.

Submission:

Labcorp Genetics (formerly Invitae), Labcorp
Classification: Uncertain significance for Distal hereditary motor neuropathy type 2. Last evaluated: 2022-01-22. Review status: criteria provided, single submitter. Criteria: Invitae Variant Classification Sherloc (09022015). Collection method: clinical testing. Allele origin: germline.
Comment: In summary, the available evidence is currently insufficient to determine the role of this variant in disease. Therefore, it has been classified as a Variant of Uncertain Significance. Algorithms developed to predict the effect of missense changes on protein structure and function (SIFT, PolyPhen-2, Align-GVGD) all suggest that this variant is likely to be tolerated. This variant has not been reported in the literature in individuals affected with FBXO38-related conditions. This variant is not present in population databases (gnomAD no frequency). This sequence change replaces histidine, which is basic and polar, with tyrosine, which is neutral and polar, at codon 718 of the FBXO38 protein (p.His718Tyr).